The following is an entry in ClinVar:

NM_001009944.3(PKD1):c.4428_4436del (p.Leu1477_Leu1479del)

Gene: PKD1 (polycystin 1, transient receptor potential channel interacting; minus strand). Cytogenetic location: 16p13.3.
Variant type: Deletion.
Coding change: c.4428_4436del on transcript NM_001009944.3 (MANE Select); coding-DNA positions 4428 to 4436, 9 bases deleted (CCTTGGGCT; older notation c.4428_4436delCCTTGGGCT).
Protein change: p.Leu1477_Leu1479del.
Molecular consequence: inframe deletion.
Genome position (GRCh38, 1-based): chr16:2,110,731-2,110,739, AGCCCAAGG deleted on the plus strand (CCTTGGGCT on the coding strand, the reverse complement: PKD1 is on the minus strand). VCF-style (leftmost placement, unchanged base first): chr16-2110730-CAGCCCAAGG-C. GRCh37 (hg19) VCF-style: chr16-2160731-CAGCCCAAGG-C.
Other names: c.4428_4436del, p.Leu1477_Leu1479del (NM_000296.4).
Identifiers: ClinVar variation 4532233 (VCV004532233.1).
Genomic context (GRCh38, chr16:2,110,730, plus strand): 5'-CAGGTAGCTGGCGGGGCGCCCACGGCCCACAGCAGAGAACAGGTACGGCTGCTGCAGCTC[CAGCCCAAGG>C]GAGCCATTGACCTTGATGCTGGTGACCAGCACGGGCTCCTGCACCTCCACCAGGGCTGAG-3'

ClinVar aggregate classification (germline): Uncertain significance (1 of 4 stars; one submission).

Conditions:
Polycystic kidney disease, adult type (PKD1). Also called: Polycystic Kidney, Autosomal Dominant; POLYCYSTIC KIDNEY DISEASE, ADULT, TYPE I; Polycystic Kidney Disease 1, Autosomal Dominant; Polycystic kidney disease 1; Polycystic kidney disease 1, severe; POLYCYSTIC KIDNEY DISEASE 1 WITH OR WITHOUT POLYCYSTIC LIVER DISEASE. Identifiers: MedGen C3149841, MONDO:0008263, OMIM 173900.

Submission:

MVZ Medizinische Genetik Mainz
Classification: Uncertain significance for Polycystic kidney disease, adult type. Last evaluated: 2025-10-21. Review status: criteria provided, single submitter. Criteria: UK Practice Guidelines For Variant Classification V4 01 2020. Collection method: clinical testing. Allele origin: germline. Inheritance: Autosomal dominant inheritance. Affected: yes. Observed: 1 variant allele.
Comment: ACMG Criteria: PM4,PM2_SUP,PP3,PP4